The following is an entry in ClinVar:

ClinVar aggregate classification (germline): Conflicting classifications of pathogenicity. Review status: criteria provided, conflicting classifications (1 of 4 stars). 2 submissions from 2 submitters: Likely pathogenic (1); Uncertain significance (1). Last evaluated 2024-07-31.

Conditions:
Mowat-Wilson syndrome (MOWS). Also called: Classic Mowat-Wilson Syndrome. Identifiers: Orphanet 2152, MedGen C1856113, MONDO:0009341, OMIM 235730.
ZEB2-related disorder. Also called: ZEB2-related condition.

Submissions (2):

Labcorp Genetics (formerly Invitae), Labcorp
Classification: Uncertain significance for Mowat-Wilson syndrome. Last evaluated: 2024-07-31. Review status: criteria provided, single submitter. Criteria: Invitae Variant Classification Sherloc (09022015). Collection method: clinical testing. Allele origin: germline.
Comment: This sequence change replaces histidine, which is basic and polar, with arginine, which is basic and polar, at codon 328 of the ZEB2 protein (p.His328Arg). This variant is not present in population databases (gnomAD no frequency). This variant has not been reported in the literature in individuals affected with ZEB2-related conditions. Advanced modeling of protein sequence and biophysical properties (such as structural, functional, and spatial information, amino acid conservation, physicochemical variation, residue mobility, and thermodynamic stability) performed at Invitae indicates that this missense variant is expected to disrupt ZEB2 protein function with a positive predictive value of 80%. In summary, the available evidence is currently insufficient to determine the role of this variant in disease. Therefore, it has been classified as a Variant of Uncertain Significance.

Blueprint Genetics
Classification: Likely pathogenic for ZEB2-related disorders. Last evaluated: 2021-09-14. Review status: criteria provided, single submitter. Criteria: ACMG Guidelines, 2015. Collection method: clinical testing. Allele origin: de novo. Affected: yes. Observed: 1 variant allele.

NM_014795.4(ZEB2):c.983A>G (p.His328Arg)

Gene: ZEB2 (zinc finger E-box binding homeobox 2; minus strand). Cytogenetic location: 2q22.3.
Variant type: single nucleotide variant.
Coding change: c.983A>G on transcript NM_014795.4 (MANE Select); coding-DNA position 983, A replaced by G.
Protein change: p.His328Arg; replaces histidine 328 with arginine.
Molecular consequence: missense variant.
Genome position (GRCh38, 1-based): chr2:144,400,204, T>C on the plus strand (A>G on the coding strand, the complement: ZEB2 is on the minus strand). VCF-style: chr2-144400204-T-C. GRCh37 (hg19) VCF-style: chr2-145157771-T-C.
Other names: c.911A>G, p.His304Arg (NM_001171653.2); short protein forms H328R, H304R.
Identifiers: ClinVar variation 3661064 (VCV003661064.3).
Genomic context (GRCh38, chr2:144,400,204, plus strand): 5'-ATATTGTTTCTCATTCGGCCATTTACAGAGATTAAACCAATACATTTCTTGCTGCTGATG[T>C]GCGAACTGTAGGAACCAGAATGGGAGAAACGTTTCTTGCAGTTTGGGCACTCGTAAGGTT-3'
Protein context (NP_055610.1, residues 318-338): RFSHSGSYSS[His328Arg]ISSKKCIGLI